The following is an entry in ClinVar:

NM_000548.5(TSC2):c.5161-9C>A

Gene: TSC2 (TSC complex subunit 2; plus strand). Cytogenetic location: 16p13.3.
Variant type: single nucleotide variant.
Coding change: c.5161-9C>A on transcript NM_000548.5 (MANE Select); 9 bases into the intron before coding-DNA position 5161, C replaced by A.
Molecular consequence: intron variant.
Genome position (GRCh38, 1-based): chr16:2,088,218, C>A. VCF-style: chr16-2088218-C-A. GRCh37 (hg19) VCF-style: chr16-2138219-C-A.
Other names: c.5092-9C>A (NM_001114382.3); c.5032-9C>A (NM_021055.3); c.5032-21C>A (NM_001370405.1); c.4963-9C>A (NM_001363528.2); c.5029-9C>A (NM_001370404.1); c.4960-9C>A (NM_001077183.3); c.4852-9C>A (NM_001318827.2); c.4429-9C>A (NM_001318831.2); and 2 more.
Identifiers: ClinVar variation 49853 (VCV000049853.7), dbSNP rs45515893, ClinGen allele CA022032.

ClinVar aggregate classification (germline): Uncertain significance. Review status: criteria provided, single submitter (1 of 4 stars). 2 submissions from 2 submitters: Uncertain significance (1). 1 of the submissions does not count toward it. Last evaluated 2022-10-02.

Conditions:
Tuberous sclerosis 2 (TSC2). Identifiers: Orphanet 805, MedGen C1860707, MONDO:0013199, OMIM 613254.
Tuberous sclerosis syndrome (TSC). Also called: Tuberous Sclerosis Complex; Tuberous sclerosis. Identifiers: Orphanet 805, MedGen C0041341, MONDO:0001734.

Submissions (2):

Labcorp Genetics (formerly Invitae), Labcorp
Classification: Uncertain significance for Tuberous sclerosis 2. Last evaluated: 2022-10-02. Review status: criteria provided, single submitter. Criteria: Invitae Variant Classification Sherloc (09022015). Collection method: clinical testing. Allele origin: germline.
Comment: This variant has been observed in individual(s) with tuberous sclerosis (PMID: 15024740, 21520333). In summary, the available evidence is currently insufficient to determine the role of this variant in disease. Therefore, it has been classified as a Variant of Uncertain Significance. Algorithms developed to predict the effect of sequence changes on RNA splicing suggest that this variant may disrupt the consensus splice site. ClinVar contains an entry for this variant (Variation ID: 49853). This variant is not present in population databases (gnomAD no frequency). This sequence change falls in intron 40 of the TSC2 gene. It does not directly change the encoded amino acid sequence of the TSC2 protein.

Tuberous sclerosis database (TSC2)
No classification provided. Condition: TSC. Review status: no classification provided. Criteria: Tuberous Sclerosis Database Assertion Criteria 2015. Collection method: curation. Allele origin: germline. Affected: yes. Not counted in ClinVar's aggregate classification.

Literature cited by the submitters: PubMed 15024740 (cited by Labcorp Genetics (formerly Invitae), Labcorp); PubMed 21520333 (cited by Labcorp Genetics (formerly Invitae), Labcorp).